The following is an entry in ClinVar:

NM_000093.5(COL5A1):c.1767G>C (p.Gly589=)

Gene: COL5A1 (collagen type V alpha 1 chain; plus strand). Cytogenetic location: 9q34.3.
Variant type: single nucleotide variant.
Coding change: c.1767G>C on transcript NM_000093.5 (MANE Select); coding-DNA position 1767, G replaced by C.
Protein change: p.Gly589=; no amino-acid change (glycine 589 retained).
Molecular consequence: synonymous variant.
Genome position (GRCh38, 1-based): chr9:134,753,897, G>C. VCF-style: chr9-134753897-G-C. GRCh37 (hg19) VCF-style: chr9-137645743-G-C.
Other names: c.1767G>C, p.Gly589= (NM_001278074.1).
Identifiers: ClinVar variation 3772057 (VCV003772057.13).

ClinVar aggregate classification (germline): Likely benign (1 of 4 stars; one submission).

Submission:

CeGaT Center for Human Genetics Tuebingen
Classification: Likely benign. Last evaluated: 2024-12-01. Review status: criteria provided, single submitter. Criteria: CeGaT Center For Human Genetics Tuebingen Variant Classification Criteria Version 2. Collection method: clinical testing. Allele origin: germline. Affected: yes. Observed: 1 variant allele.
Comment: COL5A1: PM2:Supporting, BP4, BP7